The following is an entry in ClinVar:

ClinVar aggregate classification (germline): Conflicting classifications of pathogenicity. Review status: criteria provided, conflicting classifications (1 of 4 stars). 5 submissions from 5 submitters: Uncertain significance (4); Likely benign (1). Last evaluated 2025-10-30.

Conditions:
Cardiovascular phenotype. Identifiers: MedGen CN230736.
Ehlers-Danlos syndrome (EDS). Identifiers: Orphanet 98249, MedGen C0013720, MONDO:0020066.

Allele frequency attached by ClinVar (database versions not stated): gnomAD exomes 0.00003; ExAC 0.00006; TOPMed 0.00011; 1000 Genomes Project 30x 0.00016; 1000 Genomes Project 0.00020.
gnomAD v4.1: 43 of 1,550,222 alleles (0.0028%); highest among the groups gnomAD compares: Middle Eastern, 0.017%; 1 homozygote.

Submissions (5):

Mayo Clinic Laboratories, Mayo Clinic
Classification: Uncertain significance. Last evaluated: 2025-10-30. Review status: criteria provided, single submitter. Criteria: ACMG Guidelines, 2015. Collection method: clinical testing. Allele origin: germline. Observed: 1 variant allele.
Comment: BP4_moderate

Women's Health and Genetics/Laboratory Corporation of America, LabCorp
Classification: Uncertain significance. Last evaluated: 2025-05-02. Review status: criteria provided, single submitter. Criteria: LabCorp Variant Classification Summary - May 2015. Collection method: clinical testing. Allele origin: germline.
Comment: Variant summary: ZNF469 c.9124C>T (p.Arg3042Cys) results in a non-conservative amino acid change in the encoded protein sequence. Algorithms developed to predict the effect of missense changes on protein structure and function are either unavailable or do not agree on the potential impact of this missense change. The variant allele was found at a frequency of 3.3e-05 in 152722 control chromosomes. The available data on variant occurrences in the general population are insufficient to allow any conclusion about variant significance. To our knowledge, no occurrence of c.9124C>T in individuals affected with Brittle cornea syndrome 1 and no experimental evidence demonstrating its impact on protein function have been reported. ClinVar contains an entry for this variant (Variation ID: 1702161). Based on the evidence outlined above, the variant was classified as uncertain significance.

Ambry Genetics
Classification: Likely benign for Cardiovascular phenotype. Last evaluated: 2024-07-15. Review status: criteria provided, single submitter. Criteria: Ambry Variant Classification Scheme 2023. Collection method: clinical testing. Allele origin: germline.

GeneDx
Classification: Uncertain significance. Last evaluated: 2022-10-06. Review status: criteria provided, single submitter. Criteria: GeneDx Variant Classification Process June 2021. Collection method: clinical testing. Allele origin: germline. Affected: yes.
Comment: Has not been previously published as pathogenic or benign to our knowledge; Not observed at significant frequency in large population cohorts (gnomAD); In silico analysis supports that this missense variant does not alter protein structure/function

Genome Diagnostics Laboratory, The Hospital for Sick Children
Classification: Uncertain significance for Ehlers-Danlos syndrome. Last evaluated: 2019-12-01. Review status: criteria provided, single submitter. Criteria: ACMG Guidelines, 2015. Collection method: clinical testing. Allele origin: germline.

NM_001367624.2(ZNF469):c.9124C>T (p.Arg3042Cys)

Gene: ZNF469 (zinc finger protein 469; plus strand). Cytogenetic location: 16q24.2.
Variant type: single nucleotide variant.
Coding change: c.9124C>T on transcript NM_001367624.2 (MANE Select); coding-DNA position 9124, C replaced by T.
Protein change: p.Arg3042Cys; replaces arginine 3042 with cysteine.
Molecular consequence: missense variant.
Genome position (GRCh38, 1-based): chr16:88,436,594, C>T. VCF-style: chr16-88436594-C-T. GRCh37 (hg19) VCF-style: chr16-88503002-C-T.
Other names: NM_001127464.2:c.9040C>T; NM_001127464.1:c.9040C>T; p.Arg3042Cys; short protein forms R3042C.
Identifiers: ClinVar variation 1702161 (VCV001702161.10), dbSNP rs546845105, ClinGen allele CA8225410.
Genomic context (GRCh38, chr16:88,436,594, plus strand): 5'-AGCCTGGAGAGAGAACGCTGTGACGGTGGGCTTCCCGGGAACACCCACCTGCTGCCGCTC[C>T]GTGCCACGGACTTTGAGGTGCTCAGCACCAAGTTTGAGATGCAAGACCTGTGCTTTCTGG-3'
Protein context (NP_001354553.1, residues 3032-3052): LPGNTHLLPL[Arg3042Cys]ATDFEVLSTK